The following is an entry in ClinVar:

ClinVar aggregate classification (germline): Uncertain significance (1 of 4 stars; one submission).

Conditions:
HK1-related disorder. Also called: HK1-related condition; HK1-related disorders.

Submission:

PreventionGenetics, part of Exact Sciences
Classification: Uncertain significance for HK1-related condition. Last evaluated: 2023-03-13. Review status: criteria provided, single submitter. Criteria: ACMG Guidelines, 2015. Collection method: clinical testing. Allele origin: germline.
Comment: The HK1 c.1343G>T variant is predicted to result in the amino acid substitution p.Gly448Val. To our knowledge, this variant has not been reported in the literature or in a large population database, indicating this variant is rare. At this time, the clinical significance of this variant is uncertain due to the absence of conclusive functional and genetic evidence.

NM_000188.3(HK1):c.1343G>T (p.Gly448Val)

Gene: HK1 (hexokinase 1; plus strand). Cytogenetic location: 10q22.1.
Variant type: single nucleotide variant.
Coding change: c.1343G>T on transcript NM_000188.3 (MANE Select); coding-DNA position 1343, G replaced by T.
Protein change: p.Gly448Val; replaces glycine 448 with valine.
Molecular consequence: missense variant.
Genome position (GRCh38, 1-based): chr10:69,382,564, G>T. VCF-style: chr10-69382564-G-T. GRCh37 (hg19) VCF-style: chr10-71142320-G-T.
Other names: c.1355G>T, p.Gly452Val (NM_001322364.2, NM_001358263.1, NM_033497.3 and 1 more transcripts); c.1448G>T, p.Gly483Val (NM_001322365.2); c.1259G>T, p.Gly420Val (NM_001322366.1); c.1247G>T, p.Gly416Val (NM_001322367.1); c.1340G>T, p.Gly447Val (NM_033496.3); c.1307G>T, p.Gly436Val (NM_033500.2); short protein forms G416V, G420V, G436V, G447V, G448V, G452V, G483V.
Identifiers: ClinVar variation 2630264 (VCV002630264.1), dbSNP rs2540421842, ClinGen allele CA376909658.
Genomic context (GRCh38, chr10:69,382,564, plus strand): 5'-ACAAGACTCTAAGGCGCTTGGTGCCAGACTCCGATGTGCGCTTCCTCCTCTCGGAGAGTG[G>T]CAGCGGCAAGGGGGCTGCCATGGTGACGGCGGTGGCCTACCGCTTGGCCGAGCAGCACCG-3'
Protein context (NP_000179.2, residues 438-458): SDVRFLLSES[Gly448Val]SGKGAAMVTA